The following is an entry in ClinVar:

ClinVar aggregate classification (germline): Conflicting classifications of pathogenicity. Review status: criteria provided, conflicting classifications (1 of 4 stars). 6 submissions from 6 submitters: Likely pathogenic (4); Uncertain significance (1). 1 of the submissions does not count toward it. Last evaluated 2026-03-19.

Conditions:
TYMP-related disorder. Also called: TYMP-related condition.
Mitochondrial neurogastrointestinal encephalomyopathy. Also called: MNGIE syndrome; Thymidine phosphorylase deficiency; Mitochondrial neurogastrointestinal encephalopathy syndrome. Identifiers: Orphanet 298, MedGen C0872218, MONDO:0017575.
Mitochondrial DNA depletion syndrome 1. Also called: Mitochondrial Neurogastrointestinal Encephalopathy Disease; MITOCHONDRIAL NEUROGASTROINTESTINAL ENCEPHALOPATHY SYNDROME, TYMP-RELATED; MNGIE, TYMP-RELATED; Mitochondrial DNA Depletion Syndrome, MNGIE Form; Mitochondrial DNA depletion syndrome 1 (MNGIE type); Mitochondrial neurogastrointestinal encephalomyopathy syndrome. Identifiers: Orphanet 298, MedGen C4551995, MONDO:0011283, OMIM 603041.

Allele frequency attached by ClinVar (database versions not stated): gnomAD exomes 0.00001; TOPMed 0.00001.

Submissions (6):

Myriad Genetics, Inc.
Classification: Uncertain significance for Mitochondrial DNA depletion syndrome 1. Last evaluated: 2026-03-19. Review status: criteria provided, single submitter. Criteria: Myriad Autosomal Dominant, Autosomal Recessive and X-Linked Classification Criteria (2023). Collection method: clinical testing. Allele origin: unknown.
Comment: NM_001953.4(TYMP):c.340G>A(D114N) is a missense variant classified as a variant of uncertain significance in the context of mitochondrial neurogastrointestinal encephalopathy disease. D114N has been observed in cases with relevant disease (PMID: 19368660, 15781193, 21933806). Relevant functional assessments of this variant are not available in the literature. D114N has been observed in referenced population frequency databases. In summary, there is insufficient evidence to classify NM_001953.4(TYMP):c.340G>A(D114N) as pathogenic or benign. Please note: this variant was assessed in the context of healthy population screening.

GeneDx
Classification: Likely pathogenic. Last evaluated: 2025-06-21. Review status: criteria provided, single submitter. Criteria: GeneDx Variant Classification Process June 2021. Collection method: clinical testing. Allele origin: germline. Affected: yes.
Comment: Not observed at significant frequency in large population cohorts (gnomAD); In silico analysis supports that this missense variant has a deleterious effect on protein structure/function; This variant is associated with the following publications: (PMID: 19368660, 15781193, 19748572, 19789089)

Natera, Inc.
Classification: Likely pathogenic for Mitochondrial neurogastrointestinal encephalomyopathy. Last evaluated: 2025-02-03. Review status: criteria provided, single submitter. Criteria: Natera Variant Classification Schema (03/2026). Collection method: clinical testing. Allele origin: germline.
Comment: The c.340G>A variant in TYMP is a missense variant predicted to cause substitution of aspartic acid to asparagine at amino acid 114. This variant is rare in the general population with a frequency below the threshold expected for the associated phenotype(s). This variant has been observed in one or more individuals affected with the associated recessive disease, as either homozygous or compound heterozygous with a second variant (PMID: 15781193, 19368660). Additionally, this variant has been observed to segregate in affected family members (PMID: 15781193). Computational prediction algorithms indicate this variant is likely to affect gene or protein function. Given the available evidence, this variant is classified as Likely Pathogenic.

Women's Health and Genetics/Laboratory Corporation of America, LabCorp
Classification: Likely pathogenic for Mitochondrial DNA depletion syndrome 1. Last evaluated: 2024-09-13. Review status: criteria provided, single submitter. Criteria: LabCorp Variant Classification Summary - May 2015. Collection method: clinical testing. Allele origin: germline.
Comment: Variant summary: TYMP c.340G>A (p.Asp114Asn) results in a conservative amino acid change located in the Glycosyl transferase, family 3 domain (IPR000312) of the encoded protein sequence. Four of five in-silico tools predict a damaging effect of the variant on protein function. The variant allele was found at a frequency of 8e-06 in 250418 control chromosomes. c.340G>A has been reported in the literature in homozygous or compound heterozygous individuals affected with Mitochondrial DNA Depletion Syndrome 1 (MNGIE type) (Slama_2005, Zimmer_2020). These data indicate that the variant is likely to be associated with disease. To our knowledge, no experimental evidence demonstrating an impact on protein function has been reported. The following publications have been ascertained in the context of this evaluation (PMID: 15781193, 19368660). ClinVar contains an entry for this variant (Variation ID: 223024). Based on the evidence outlined above, the variant was classified as likely pathogenic.

Blueprint Genetics
Classification: Likely pathogenic for TYMP-related disorders. Last evaluated: 2023-03-02. Review status: criteria provided, single submitter. Criteria: ACMG Guidelines, 2015. Collection method: clinical testing. Allele origin: germline. Affected: yes. Observed: 1 variant allele.

GeneReviews
Classification: Pathogenic for Mitochondrial DNA depletion syndrome 1. Last evaluated: 2016-01-14. Review status: no assertion criteria provided. Collection method: literature only. Allele origin: germline. Affected: yes. Not counted in ClinVar's aggregate classification.

Literature cited by the submitters: PubMed 15781193 (cited by 4 submitters); PubMed 19368660 (cited by 3 submitters); PubMed 21933806 (cited by Myriad Genetics, Inc.).

NM_001953.5(TYMP):c.340G>A (p.Asp114Asn)

Gene: TYMP (thymidine phosphorylase; minus strand). Cytogenetic location: 22q13.33.
Variant type: single nucleotide variant.
Coding change: c.340G>A on transcript NM_001953.5 (MANE Select); coding-DNA position 340, G replaced by A.
Protein change: p.Asp114Asn; replaces aspartic acid 114 with asparagine.
Molecular consequence: missense variant.
Genome position (GRCh38, 1-based): chr22:50,529,213, C>T on the plus strand (G>A on the coding strand, the complement: TYMP is on the minus strand). VCF-style: chr22-50529213-C-T. GRCh37 (hg19) VCF-style: chr22-50967642-C-T.
Other names: Asp>Asn; c.340G>A, p.Asp114Asn (LRG_727t2, LRG_727t1, NM_001113755.3 and 3 more transcripts); c.340G>A (NM_001953.3); short protein forms D114N.
Identifiers: ClinVar variation 223024 (VCV000223024.8), dbSNP rs1064792861, ClinGen allele CA16616776.